The following is an entry in ClinVar:

ClinVar aggregate classification (germline): Pathogenic (1 of 4 stars; one submission).

Conditions:
Atypical hemolytic-uremic syndrome. Identifiers: Orphanet 2134, MedGen C2931788, MONDO:0016244.

Submission:

Genomenon, Inc
Classification: Pathogenic for Atypical hemolytic-uremic syndrome. Last evaluated: 2025-10-02. Review status: criteria provided, single submitter. Criteria: Genomenon Sequence Variant Interpretation Standards - Updated. Collection method: curation. Allele origin: germline. Affected: yes.
Comment: CFH p.Phe723LeufsTer3 (c.2169del) is a frameshift variant that results in the production of a truncated protein which is predicted to undergo nonsense-mediated mRNA decay. This variant has been observed in at least one proband affected with atypical hemolytic-uremic syndrome (PMID:23307876;30890598). It is absent or not present at a significant frequency in gnomAD. In conclusion, we classify CFH p.Phe723LeufsTer3 (c.2169del) as a pathogenic variant.

Literature cited by the submitters: PubMed 23307876; PubMed 30890598.

NM_000186.4(CFH):c.2169del (p.Phe723fs)

Gene: CFH (complement factor H; plus strand). Cytogenetic location: 1q31.3.
Variant type: Deletion.
Coding change: c.2169del on transcript NM_000186.4 (MANE Select); coding-DNA position 2169, one base deleted (T; older notation c.2169delT).
Protein change: p.Phe723fs; shifts the reading frame from phenylalanine 723.
Molecular consequence: frameshift variant.
Genome position (GRCh38, 1-based): chr1:196,726,873, T deleted; the last of 3 consecutive T bases (chr1:196,726,871-196,726,873); deleting any one gives the same sequence. VCF-style (leftmost placement, unchanged base first): chr1-196726870-AT-A. GRCh37 (hg19) VCF-style: chr1-196696000-AT-A.
Other names: short protein forms F723fs.
Identifiers: ClinVar variation 4291453 (VCV004291453.1).
Genomic context (GRCh38, chr1:196,726,870, plus strand): 5'-CCAGCTTTCTTCCCCTCCTTATTACTATGGAGATTCAGTGGAATTCAATTGCTCAGAATC[AT>A]TTACAATGATTGGACACAGATCAATTACGTGTATTCATGGAGTATGGACCCAACTTCCCC-3'